The following is an entry in ClinVar:

NM_018685.5(ANLN):c.1978G>A (p.Asp660Asn)

Gene: ANLN (anillin, actin binding protein; plus strand). Cytogenetic location: 7p14.2.
Variant type: single nucleotide variant.
Coding change: c.1978G>A on transcript NM_018685.5 (MANE Select); coding-DNA position 1978, G replaced by A.
Protein change: p.Asp660Asn; replaces aspartic acid 660 with asparagine.
Molecular consequence: missense variant.
Genome position (GRCh38, 1-based): chr7:36,420,277, G>A. VCF-style: chr7-36420277-G-A. GRCh37 (hg19) VCF-style: chr7-36459886-G-A.
Other names: c.1867G>A, p.Asp623Asn (NM_001284301.3); c.1864G>A, p.Asp622Asn (NM_001284302.3); short protein forms D622N, D623N, D660N.
Identifiers: ClinVar variation 2630231 (VCV002630231.1), dbSNP rs528990990, ClinGen allele CA4219737.

ClinVar aggregate classification (germline): Uncertain significance (1 of 4 stars; one submission).

Conditions:
ANLN-related disorder. Also called: ANLN-related condition.

Allele frequency attached by ClinVar (database versions not stated): gnomAD 0.00001; ExAC 0.00002; 1000 Genomes Project 30x 0.00047; 1000 Genomes Project 0.00060.
gnomAD v4.1: 2 of 1,614,104 alleles (0.00012%); highest among the groups gnomAD compares: South Asian, 0.0022%; no homozygotes.

Submission:

PreventionGenetics, part of Exact Sciences
Classification: Uncertain significance for ANLN-related condition. Last evaluated: 2023-02-20. Review status: criteria provided, single submitter. Criteria: ACMG Guidelines, 2015. Collection method: clinical testing. Allele origin: germline.
Comment: The ANLN c.1978G>A variant is predicted to result in the amino acid substitution p.Asp660Asn. To our knowledge, this variant has not been reported in the literature. This variant is reported in 0.0065% of alleles in individuals of South Asian descent in gnomAD. At this time, the clinical significance of this variant is uncertain due to the absence of conclusive functional and genetic evidence.